The following is an entry in ClinVar:

ClinVar aggregate classification (germline): Benign (1 of 4 stars; one submission).

Conditions:
Autoimmune lymphoproliferative syndrome type 2A (ALPS2A). Also called: CASP10-Related Autoimmune Lymphoproliferative Syndrome; AUTOIMMUNE LYMPHOPROLIFERATIVE SYNDROME, TYPE IIA; Autoimmune lymphoproliferative syndrome type 2. Identifiers: Orphanet 3261, MedGen C1858968, MONDO:0011383, OMIM 603909.

Allele frequency attached by ClinVar (database versions not stated): 1000 Genomes Project 0.00519; gnomAD 0.00548 and 0.00601; 1000 Genomes Project 30x 0.00562; TOPMed 0.00596.

Submission:

Illumina Laboratory Services, Illumina
Classification: Benign for Autoimmune lymphoproliferative syndrome type 2A. Last evaluated: 2018-01-13. Review status: criteria provided, single submitter. Criteria: ICSL Variant Classification Criteria 13 December 2019. Collection method: clinical testing. Allele origin: germline.
Comment: This variant was observed in the ICSL laboratory as part of a predisposition screen in an ostensibly healthy population. It had not been previously curated by ICSL or reported in the Human Gene Mutation Database (HGMD: prior to June 1st, 2018), and was therefore a candidate for classification through an automated scoring system. Utilizing variant allele frequency, disease prevalence and penetrance estimates, and inheritance mode, an automated score was calculated to assess if this variant is too frequent to cause the disease. Based on the score and internal cut-off values, a variant classified as benign is not then subjected to further curation. The score for this variant resulted in a classification of benign for this disease.

NM_032977.4(CASP10):c.*2689A>G

Gene: CASP10 (caspase 10; plus strand). Cytogenetic location: 2q33.1.
Variant type: single nucleotide variant.
Coding change: c.*2689A>G on transcript NM_032977.4 (MANE Select); 2689 bases downstream of the stop codon, A replaced by G.
Molecular consequence: 3 prime UTR variant. On other transcripts: intron variant (2).
Genome position (GRCh38, 1-based): chr2:201,220,430, A>G. VCF-style: chr2-201220430-A-G. GRCh37 (hg19) VCF-style: chr2-202085153-A-G.
Other names: c.*2689A>G (NM_001206524.2, NM_001230.5); c.*3344A>G (NM_032976.4); c.1416-8503A>G (NM_032974.5); c.1287-8503A>G (NM_001206542.2).
Identifiers: ClinVar variation 333480 (VCV000333480.5), dbSNP rs41447745, ClinGen allele CA10613480.